The following is an entry in ClinVar:

ClinVar aggregate classification (germline): Likely benign. Review status: criteria provided, multiple submitters, no conflicts (2 of 4 stars). 4 submissions from 4 submitters: Likely benign (3). 1 of the submissions does not count toward it. Last evaluated 2025-10-01.

Conditions:
GRXCR2-related disorder. Also called: GRXCR2-related condition.

Allele frequency attached by ClinVar (database versions not stated): ExAC 0.00014; gnomAD 0.00023; TOPMed 0.00026; gnomAD exomes 0.00035; ESP Exome Variant Server 0.00038.
gnomAD v4.1: 555 of 1,614,050 alleles (0.034%); highest among the groups gnomAD compares: Non-Finnish European, 0.043%; no homozygotes.

Submissions (4):

CeGaT Center for Human Genetics Tuebingen
Classification: Likely benign. Last evaluated: 2025-10-01. Review status: criteria provided, single submitter. Criteria: CeGaT Center For Human Genetics Tuebingen Variant Classification Criteria Version 2. Collection method: clinical testing. Allele origin: germline. Affected: yes. Observed: 1 variant allele.
Comment: GRXCR2: BP4

Labcorp Genetics (formerly Invitae), Labcorp
Classification: Likely benign. Last evaluated: 2024-12-24. Review status: criteria provided, single submitter. Criteria: Invitae Variant Classification Sherloc (09022015). Collection method: clinical testing. Allele origin: germline.

Blueprint Genetics
Classification: Likely benign. Last evaluated: 2024-09-13. Review status: criteria provided, single submitter. Criteria: ACMG Guidelines, 2015. Collection method: clinical testing. Allele origin: germline.

PreventionGenetics, part of Exact Sciences
Classification: Likely benign for GRXCR2-related condition. Last evaluated: 2019-04-24. Review status: no assertion criteria provided. Collection method: clinical testing. Allele origin: germline. Not counted in ClinVar's aggregate classification.
Comment: This variant is classified as likely benign based on ACMG/AMP sequence variant interpretation guidelines (Richards et al. 2015 PMID: 25741868, with internal and published modifications).

NM_001080516.2(GRXCR2):c.160C>T (p.Leu54=)

Gene: GRXCR2 (glutaredoxin and cysteine rich domain containing 2; minus strand). Cytogenetic location: 5q32.
Variant type: single nucleotide variant.
Coding change: c.160C>T on transcript NM_001080516.2 (MANE Select); coding-DNA position 160, C replaced by T.
Protein change: p.Leu54=; no amino-acid change (leucine 54 retained).
Molecular consequence: synonymous variant.
Genome position (GRCh38, 1-based): chr5:145,872,809, G>A on the plus strand (C>T on the coding strand, the complement: GRXCR2 is on the minus strand). VCF-style: chr5-145872809-G-A. GRCh37 (hg19) VCF-style: chr5-145252372-G-A.
Other names: c.160C>T (NM_001080516.1).
Identifiers: ClinVar variation 2067253 (VCV002067253.13), dbSNP rs150272088, ClinGen allele CA3488100.